The following is an entry in ClinVar:

NM_004329.3(BMPR1A):c.868+3_868+6del

Gene: BMPR1A (bone morphogenetic protein receptor type 1A; plus strand). Cytogenetic location: 10q23.2.
Variant type: Deletion.
Coding change: c.868+3_868+6del on transcript NM_004329.3 (MANE Select); bases 3 to 6 of the intron after coding-DNA position 868, 4 bases deleted (GGGT; older notation c.868+3_868+6delGGGT).
Molecular consequence: splice donor variant.
Genome position (GRCh38, 1-based): chr10:86,917,329-86,917,332, GGGT deleted; deleting any 4 consecutive bases within chr10:86,917,326-86,917,332 gives the same sequence; the c. name uses the placement nearest the transcript's 3' end. VCF-style (leftmost placement, unchanged base first): chr10-86917325-TGGTG-T. GRCh37 (hg19) VCF-style: chr10-88677082-TGGTG-T.
Identifiers: ClinVar variation 2027394 (VCV002027394.4), dbSNP rs2539605848, ClinGen allele CA2580082109.

ClinVar aggregate classification (germline): Uncertain significance (1 of 4 stars; one submission).

Conditions:
Juvenile polyposis syndrome (JPS). Identifiers: Orphanet 2929, MedGen C0345893, MONDO:0017380, OMIM 174900.

Submission:

Labcorp Genetics (formerly Invitae), Labcorp
Classification: Uncertain significance for Juvenile polyposis syndrome. Last evaluated: 2022-08-27. Review status: criteria provided, single submitter. Criteria: Invitae Variant Classification Sherloc (09022015). Collection method: clinical testing. Allele origin: germline.
Comment: This sequence change falls in intron 9 of the BMPR1A gene. It does not directly change the encoded amino acid sequence of the BMPR1A protein. It affects a nucleotide within the consensus splice site. In summary, the available evidence is currently insufficient to determine the role of this variant in disease. Therefore, it has been classified as a Variant of Uncertain Significance. Variants that disrupt the consensus splice site are a relatively common cause of aberrant splicing (PMID: 17576681, 9536098). Algorithms developed to predict the effect of sequence changes on RNA splicing suggest that this variant may disrupt the consensus splice site. This variant has not been reported in the literature in individuals affected with BMPR1A-related conditions. This variant is not present in population databases (gnomAD no frequency).

Literature cited by the submitters: PubMed 17576681; PubMed 9536098.